The following is an entry in ClinVar:

NM_001127644.2(GABRA1):c.199G>T (p.Glu67Ter)

Gene: GABRA1 (gamma-aminobutyric acid type A receptor subunit alpha1; plus strand). Cytogenetic location: 5q34.
Variant type: single nucleotide variant.
Coding change: c.199G>T on transcript NM_001127644.2 (MANE Select); coding-DNA position 199, G replaced by T.
Protein change: p.Glu67Ter; replaces glutamic acid 67 with a stop codon.
Molecular consequence: nonsense.
Genome position (GRCh38, 1-based): chr5:161,865,732, G>T. VCF-style: chr5-161865732-G-T. GRCh37 (hg19) VCF-style: chr5-161292738-G-T.
Other names: c.199G>T, p.Glu67Ter (NM_000806.5, NM_001127643.2, NM_001127645.2 and 1 more transcripts); short protein forms E67*.
Identifiers: ClinVar variation 2243209 (VCV002243209.3), dbSNP rs763403354, ClinGen allele CA362178510.

ClinVar aggregate classification (germline): Pathogenic (1 of 4 stars; one submission).

Conditions:
Inborn genetic diseases. Identifiers: MedGen C0950123, MeSH D030342.

Submission:

Ambry Genetics
Classification: Pathogenic for Inborn genetic diseases. Last evaluated: 2025-05-05. Review status: criteria provided, single submitter. Criteria: Ambry Variant Classification Scheme 2023. Collection method: clinical testing. Allele origin: germline.
Comment: The c.199G>T (p.E67*) alteration, located in coding exon 3 of the GABRA1 gene, consists of a G to T substitution at nucleotide position 199. This changes the amino acid from a glutamic acid (E) to a stop codon at amino acid position 67. This alteration is expected to result in loss of function by premature protein truncation or nonsense-mediated mRNA decay. This variant was not reported in population-based cohorts in the Genome Aggregation Database (gnomAD). Based on the available evidence, this alteration is classified as pathogenic.